The following is an entry in ClinVar:

ClinVar aggregate classification (germline): Conflicting classifications of pathogenicity. Review status: criteria provided, conflicting classifications (1 of 4 stars). 3 submissions from 3 submitters: Uncertain significance (1); Benign (1); Likely benign (1). Last evaluated 2026-08-01.

Conditions:
Congenital dyserythropoietic anemia, type I. Also called: Dyserythropoietic anemia, congenital type 1. Identifiers: Orphanet 98869, MedGen C0271933, MONDO:0020337. Disease mechanism: loss of function.

Allele frequency attached by ClinVar (database versions not stated): ExAC 0.00136; TOPMed 0.00289; ESP Exome Variant Server 0.00295; 1000 Genomes Project 30x 0.00375; 1000 Genomes Project 0.00399; gnomAD exomes 0.00594 and 0.00942; gnomAD 0.00769 and 0.00804.
gnomAD v4.1: 8,932 of 1,464,932 alleles (0.61%); highest among the groups gnomAD compares: Non-Finnish European, 0.49%; 114 homozygotes.

Submissions (3):

CeGaT Center for Human Genetics Tuebingen
Classification: Likely benign. Last evaluated: 2026-08-01. Review status: criteria provided, single submitter. Criteria: CeGaT Center For Human Genetics Tuebingen Variant Classification Criteria Version 2. Collection method: clinical testing. Allele origin: germline. Affected: yes. Observed: 2 variant alleles.
Comment: CDAN1: BS2

GeneDx
Classification: Benign. Last evaluated: 2021-05-12. Review status: criteria provided, single submitter. Criteria: GeneDx Variant Classification Process June 2021. Collection method: clinical testing. Allele origin: germline. Affected: yes.

Illumina Laboratory Services, Illumina
Classification: Uncertain significance for Anemia, congenital dyserythropoietic, type 1a. Last evaluated: 2018-01-12. Review status: criteria provided, single submitter. Criteria: ICSL Variant Classification Criteria 13 December 2019. Collection method: clinical testing. Allele origin: germline.

NM_138477.4(CDAN1):c.-14G>A

Genes: CDAN1 (codanin 1; minus strand), LOC130056933 (ATAC-STARR-seq lymphoblastoid silent region 6378; plus strand). Cytogenetic location: 15q15.2.
Variant type: single nucleotide variant.
Coding change: c.-14G>A on transcript NM_138477.4 (MANE Select); 14 bases upstream of the start codon, G replaced by A.
Molecular consequence: 5 prime UTR variant.
Genome position (GRCh38, 1-based): chr15:42,737,116, C>T on the plus strand (G>A on the coding strand, the complement: CDAN1 is on the minus strand). VCF-style: chr15-42737116-C-T. GRCh37 (hg19) VCF-style: chr15-43029314-C-T.
Other names: c.-14G>A (LRG_1164t1).
Identifiers: ClinVar variation 315959 (VCV000315959.30), dbSNP rs190314153, ClinGen allele CA7516492.
Genomic context (GRCh38, chr15:42,737,116, plus strand): 5'-GCGACCGACACCTCTTCTCGCAGCAGCGACTCCAAAACGGCCGCCATCCCGGTCGGGGCG[C>T]TCTGGGGCGACTGCGCAGGCGCCGGCGCGCCGCGGGCGGCCAGGGAGGGGCGGGGCCGGC-3'